The following is an entry in ClinVar:

NM_004304.5(ALK):c.1718C>G (p.Thr573Ser)

Gene: ALK (ALK receptor tyrosine kinase; minus strand). Cytogenetic location: 2p23.2.
Variant type: single nucleotide variant.
Coding change: c.1718C>G on transcript NM_004304.5 (MANE Select); coding-DNA position 1718, C replaced by G.
Protein change: p.Thr573Ser; replaces threonine 573 with serine.
Molecular consequence: missense variant.
Genome position (GRCh38, 1-based): chr2:29,296,987, G>C on the plus strand (C>G on the coding strand, the complement: ALK is on the minus strand). VCF-style: chr2-29296987-G-C. GRCh37 (hg19) VCF-style: chr2-29519853-G-C.
Other names: short protein forms T573S.
Identifiers: ClinVar variation 2566561 (VCV002566561.2), dbSNP rs1666205088, ClinGen allele CA346466357.

ClinVar aggregate classification (germline): Uncertain significance (1 of 4 stars; one submission).

Conditions:
Hereditary cancer-predisposing syndrome. Also called: Neoplastic Syndromes, Hereditary; Hereditary Cancer Syndrome; Hereditary neoplastic syndrome; Tumor predisposition. Identifiers: Orphanet 140162, MedGen C0027672, MeSH D009386, MONDO:0015356.

Submission:

Ambry Genetics
Classification: Uncertain significance for Hereditary cancer-predisposing syndrome. Last evaluated: 2023-03-31. Review status: criteria provided, single submitter. Criteria: Ambry Variant Classification Scheme 2023. Collection method: clinical testing. Allele origin: germline.
Comment: The p.T573S variant (also known as c.1718C>G), located in coding exon 9 of the ALK gene, results from a C to G substitution at nucleotide position 1718. The threonine at codon 573 is replaced by serine, an amino acid with similar properties. This amino acid position is conserved. In addition, this alteration is predicted to be tolerated by in silico analysis. Since supporting evidence is limited at this time, the clinical significance of this alteration remains unclear.